The following is an entry in ClinVar:

ClinVar aggregate classification (germline): Conflicting classifications of pathogenicity. Review status: criteria provided, conflicting classifications (1 of 4 stars). 3 submissions from 3 submitters: Likely pathogenic (2); Uncertain significance (1). Last evaluated 2022-03-25.

Conditions:
Alexander disease (ALXDRD). Also called: Alexander's disease. Identifiers: Orphanet 58, MedGen C0270726, MONDO:0008752, OMIM 203450.

Submissions (3):

Dasa
Classification: Likely pathogenic for Alexander disease. Last evaluated: 2022-03-25. Review status: criteria provided, single submitter. Criteria: ACMG Guidelines, 2015. Collection method: clinical testing. Allele origin: germline. Affected: yes. Observed: 1 variant allele.
Comment: The c.252C>G;p.(Ile84Met) missense change has been observed in affected individual(s) and ClinVar contains an entry for this variant (ClinVar ID: 432046)-PS4_supporting. The variant is located in a mutational hot spot and/or critical and well-established functional domain (Filament) - PM1. This variant is not present in population databases (rs571151302- gnomAD; ABraOM no frequency.) - PM2. Multiple lines of computational evidence support a deleterious effect on the gene or gene product - PP3. In summary, the currently available evidence indicates that the variant is likely pathogenic

Blueprint Genetics
Classification: Uncertain significance. Last evaluated: 2017-06-06. Review status: criteria provided, single submitter. Criteria: ACMG Guidelines, 2015. Collection method: clinical testing. Allele origin: germline.

GeneDx
Classification: Likely pathogenic. Last evaluated: 2016-01-15. Review status: criteria provided, single submitter. Criteria: GeneDx Variant Classification (06012015). Collection method: clinical testing. Allele origin: germline. Affected: yes.
Comment: The I84M variant in the GFAP gene has not been reported previously as a pathogenic variant, nor as a benign variant, to our knowledge. The I84M variant was not observed in approximately 6500 individuals of European and African American ancestry in the NHLBI Exome Sequencing Project, indicating it is not a common benign variant in these populations. The I84M variant is a conservative amino acid substitution, which is not likely to impact secondary protein structure as these residues share similar properties. This substitution occurs at a position that is conserved across species. In silico analysis predicts this variant is probably damaging to the protein structure/function. Multiple missense variants in nearby residues (Y83H, F80S, R79L, R79H, R79P, R79S, R79C, R79G, K86E, V87I, V87L, V87G, R88S, R88C) have been reported in the Human Gene Mutation Database in association with Alexander disease (Stenson et al., 2014), supporting the functional importance of this region of the protein. The I84M variant is a strong candidate for a pathogenic variant

NM_002055.5(GFAP):c.252C>G (p.Ile84Met)

Gene: GFAP (glial fibrillary acidic protein; minus strand). Cytogenetic location: 17q21.31.
Variant type: single nucleotide variant.
Coding change: c.252C>G on transcript NM_002055.5 (MANE Select); coding-DNA position 252, C replaced by G.
Protein change: p.Ile84Met; replaces isoleucine 84 with methionine.
Molecular consequence: missense variant.
Genome position (GRCh38, 1-based): chr17:44,915,235, G>C on the plus strand (C>G on the coding strand, the complement: GFAP is on the minus strand). VCF-style: chr17-44915235-G-C. GRCh37 (hg19) VCF-style: chr17-42992603-G-C.
Other names: c.252C>G, p.Ile84Met (NM_001131019.3, NM_001242376.3, NM_001363846.2); short protein forms I84M.
Identifiers: ClinVar variation 432046 (VCV000432046.6), dbSNP rs571151302, ClinGen allele CA399848618.